The following is an entry in ClinVar:

ClinVar aggregate classification (germline): Pathogenic. Review status: reviewed by expert panel (3 of 4 stars). 19 submissions from 19 submitters: Pathogenic (1). 18 of the submissions do not count toward it. Last evaluated 2016-09-08.

Conditions:
Pancreatic cancer, susceptibility to, 2. Identifiers: Orphanet 1333, MedGen C3150546, MONDO:0013235, OMIM 613347.
Glioma susceptibility 3 (GLM3). Also called: Glioblastoma 3. Identifiers: Orphanet 182067, Orphanet 360, MedGen C2751641, MONDO:0013093, OMIM 613029.
Familial prostate cancer. Also called: Hereditary Prostate Cancer. Identifiers: MedGen C2931456, MONDO:0700275, OMIM 176807.
Breast-ovarian cancer, familial, susceptibility to, 2 (BROVCA2). Also called: BRCA2 Hereditary Breast and Ovarian Cancer. Identifiers: Orphanet 145, MedGen C2675520, MONDO:0012933, OMIM 612555. Disease mechanism: loss of function.
Fanconi anemia complementation group D1. Also called: BRCA2-Related Fanconi Anemia. Identifiers: Orphanet 319462, MedGen C1838457, MONDO:0011584, OMIM 605724.
Medulloblastoma (MDB). Also called: Medulloblastoma, somatic; MEDULLOBLASTOMA PREDISPOSITION SYNDROME. Identifiers: Orphanet 616, MedGen C0025149, MeSH D008527, MONDO:0007959, OMIM 155255, HP:0002885.
Wilms tumor 1 (WT1). Also called: Wilms tumor, somatic. Identifiers: Orphanet 654, MedGen CN033288, MONDO:0008679, OMIM 194070.
Familial cancer of breast. Also called: BREAST CANCER, FAMILIAL; hereditary breast carcinoma; Hereditary breast cancer. Identifiers: Orphanet 227535, MedGen C0346153, MONDO:0016419, OMIM 114480. Disease mechanism: loss of function.
BRCA2-related cancer predisposition. Identifiers: MedGen CN377758, MONDO:0700269.
Hereditary cancer-predisposing syndrome. Also called: Neoplastic Syndromes, Hereditary; Tumor predisposition; Hereditary Cancer Syndrome; Hereditary neoplastic syndrome. Identifiers: Orphanet 140162, MedGen C0027672, MeSH D009386, MONDO:0015356.
Hereditary breast ovarian cancer syndrome. Also called: Breast and ovarian cancer; Hereditary breast and ovarian cancer; Hereditary breast and ovarian cancer syndrome (HBOC); Hereditary breast and ovarian cancer syndrome; BRCA1- and BRCA2-Associated Hereditary Breast and Ovarian Cancer; Hereditary breast and/or ovarian cancer syndrome. Identifiers: Orphanet 145, MedGen C0677776, MeSH D061325, MONDO:0003582. Disease mechanism: loss of function.

Submissions 1 to 7 of 19:

Evidence-based Network for the Interpretation of Germline Mutant Alleles (ENIGMA)
Classification: Pathogenic for Breast-ovarian cancer, familial, susceptibility to, 2. Last evaluated: 2016-09-08. Review status: reviewed by expert panel. Criteria: ENIGMA BRCA1/2 Classification Criteria (2015). Collection method: curation. Allele origin: germline.
Comment: Variant allele predicted to encode a truncated non-functional protein.

Labcorp Genetics (formerly Invitae), Labcorp
Classification: Pathogenic for Hereditary breast ovarian cancer syndrome. Last evaluated: 2025-11-30. Review status: criteria provided, single submitter. Criteria: Invitae Variant Classification Sherloc (09022015). Collection method: clinical testing. Allele origin: germline. Not counted in ClinVar's aggregate classification.
Comment: This sequence change creates a premature translational stop signal (p.Asn1933Lysfs*29) in the BRCA2 gene. It is expected to result in an absent or disrupted protein product. Loss-of-function variants in BRCA2 are known to be pathogenic (PMID: 20104584). This variant is not present in population databases (gnomAD no frequency). This premature translational stop signal has been observed in individual(s) with a personal and/or family history of breast and/or ovarian cancer (PMID: 15131399, 22682623, 26681312, 28008555). This variant is also known as 6027del4. ClinVar contains an entry for this variant (Variation ID: 37998). For these reasons, this variant has been classified as Pathogenic.

Ambry Genetics
Classification: Pathogenic for Hereditary cancer-predisposing syndrome. Last evaluated: 2025-01-15. Review status: criteria provided, single submitter. Criteria: Ambry Variant Classification Scheme 2023. Collection method: clinical testing. Allele origin: germline. Not counted in ClinVar's aggregate classification.
Comment: The c.5799_5802delCCAA pathogenic mutation, located in coding exon 10 of the BRCA2 gene, results from a deletion of 4 nucleotides at nucleotide positions 5799 to 5802, causing a translational frameshift with a predicted alternate stop codon (p.N1933Kfs*29). This variant has been reported in multiple breast and/or ovarian cancer families (Lubinski J et al. Fam. Cancer. 2004;3:1-10; Dutil J et al. Cancer Genet. 2012 May;205:242-8; Wong E et al. Genomic Medicine. 2016 Jan;1:15003; Pritzlaff M et al. Breast Cancer Res. Treat. 2017 Feb;161:575-586). Of note, this alteration is also designated as 6027del4 in published literature. This variant is considered to be rare based on population cohorts in the Genome Aggregation Database (gnomAD). In addition to the clinical data presented in the literature, this alteration is expected to result in loss of function by premature protein truncation or nonsense-mediated mRNA decay. As such, this alteration is interpreted as a disease-causing mutation.

Color Diagnostics, LLC DBA Color Health
Classification: Pathogenic for Hereditary cancer-predisposing syndrome. Last evaluated: 2024-12-11. Review status: criteria provided, single submitter. Criteria: ACMG Guidelines, 2015. Collection method: clinical testing. Allele origin: germline. Not counted in ClinVar's aggregate classification.
Comment: This variant deletes 4 nucleotides in exon 11 of the BRCA2 gene, creating a frameshift and premature translation stop signal. This variant is also known as 6072del4 in the literature. This variant is expected to result in an absent or non-functional protein product. This variant has been reported in several individuals affected with breast or ovarian cancer (PMID: 22682623, 26221963, 28008555, 29263802, 29308099, 30322717). This variant has also been reported in six suspected hereditary breast and ovarian cancer families (PMID: 15131399, 29446198). A multifactorial analysis has reported a likelihood ratio for pathogenicity based on personal and family history of 323.27 from log(LR)=2.509565353 for 7 carriers (PMID: 31853058). This variant has not been identified in the general population by the Genome Aggregation Database (gnomAD). Loss of BRCA2 function is a known mechanism of disease. Based on the available evidence, this variant is classified as Pathogenic.

All of Us Research Program, National Institutes of Health
Classification: Pathogenic for BRCA2-related cancer predisposition. Last evaluated: 2024-09-28. Review status: criteria provided, single submitter. Criteria: ACMG Guidelines, 2015. Collection method: clinical testing. Allele origin: germline. Inheritance: Autosomal dominant inheritance. Observed: 3 variant alleles, 3 heterozygotes. Not counted in ClinVar's aggregate classification.
Comment: The c.5799_5802del (p.Asn1933Lysfs*29) variant in the BRCA2 gene is located on the exon 11 and is predicted to cause shift of reading frame that introduces a premature translation termination codon (p.Asn1933Lysfs*29), resulting in an absent or disrupted protein product. The variant has been reported in individuals with breast/ovarian/urothelial/endometrial cancer (PMID: 29263802, 32064343, 28008555, 31794323, 30068706). Loss-of-function variants of BRCA2 are known to be pathogenic (PMID: 8988179, 11897832, 29446198). Other frameshift/truncating variants in the same exon have been reviewed as pathogenic (p.Tyr1894*, p.Ser1951fs, ClinVar ID: 37989, 38001). The variant is reported in ClinVar as pathogenic (ID: 37998) and reviewed by the expert panel. The variant is absent in the general population database (gnomAD). Therefore, the c.5799_5802del (p.Asn1933Lysfs*29) variant of BRCA2 has been classified as pathogenic.

This study involves interpretation of variants in research participants for the purpose of population health screening. Participant phenotype was not available at the time of variant classification. Additional details can be found in publication PMID: 35346344, PMCID: PMC8962531

Quest Diagnostics Nichols Institute San Juan Capistrano
Classification: Pathogenic. Last evaluated: 2024-06-21. Review status: criteria provided, single submitter. Criteria: Quest Diagnostics criteria. Collection method: clinical testing. Allele origin: unknown. Not counted in ClinVar's aggregate classification.
Comment: The BRCA2 c.5799_5802del (p.Asn1933Lysfs*29) variant alters the translational reading frame of the BRCA2 mRNA and causes the premature termination of BRCA2 protein synthesis. This variant has been reported in the published literature in individuals and families with breast and/or ovarian cancer (PMID: 34413315 (2021), 30322717 (2018), 29446198 (2018), 28888541 (2017), 28008555 (2017), 29263802 (2016), 22682623 (2012), 15131399 (2004)). Additionally, this variant has been reported in individuals with endometrial and colon cancer (PMID: 28495237 (2017)), uterine cancer (PMID: 26556299 (2016)), bladder cancer (PMID: 31794323 (2020)), and anal cancer (PMID: 26681312 (2015)). This variant has not been reported in large, multi-ethnic general populations (Genome Aggregation Database). Based on the available information, this variant is classified as pathogenic.

Fulgent Genetics
Classification: Pathogenic for Familial cancer of breast; Medulloblastoma; Familial prostate cancer; Wilms tumor 1; Fanconi anemia complementation group D1; Breast-ovarian cancer, familial, susceptibility to, 2; Glioma susceptibility 3; Pancreatic cancer, susceptibility to, 2. Last evaluated: 2024-05-14. Review status: criteria provided, single submitter. Criteria: ACMG Guidelines, 2015. Collection method: clinical testing. Allele origin: germline. Not counted in ClinVar's aggregate classification.

NM_000059.4(BRCA2):c.5799_5802del (p.Asn1933fs)

Gene: BRCA2 (BRCA2 DNA repair associated; plus strand). Cytogenetic location: 13q13.1.
Variant type: Deletion.
Coding change: c.5799_5802del on transcript NM_000059.4 (MANE Select); coding-DNA positions 5799 to 5802, 4 bases deleted (CCAA; older notation c.5799_5802delCCAA).
Protein change: p.Asn1933fs; shifts the reading frame from asparagine 1933.
Molecular consequence: frameshift variant.
Genome position (GRCh38, 1-based): chr13:32,340,154-32,340,157, CCAA deleted; deleting any 4 consecutive bases within chr13:32,340,152-32,340,157 gives the same sequence; the c. name uses the placement nearest the transcript's 3' end. VCF-style (leftmost placement, unchanged base first): chr13-32340151-TAACC-T. GRCh37 (hg19) VCF-style: chr13-32914288-TAACC-T.
Other names: 6027del4; c.5799_5802delCCAA (NM_000059.3).
Identifiers: ClinVar variation 37998 (VCV000037998.43), dbSNP rs80359538, ClinGen allele CA023256.